The following is an entry in ClinVar:

NM_006979.3(SLC39A7):c.935G>A (p.Gly312Asp)

Gene: SLC39A7 (solute carrier family 39 member 7; plus strand). Cytogenetic location: 6p21.32.
Variant type: single nucleotide variant.
Coding change: c.935G>A on transcript NM_006979.3 (MANE Select); coding-DNA position 935, G replaced by A.
Protein change: p.Gly312Asp; replaces glycine 312 with aspartic acid.
Molecular consequence: missense variant.
Genome position (GRCh38, 1-based): chr6:33,202,695, G>A. VCF-style: chr6-33202695-G-A. GRCh37 (hg19) VCF-style: chr6-33170472-G-A.
Other names: c.935G>A, p.Gly312Asp (NM_001077516.2); c.560G>A, p.Gly187Asp (NM_001288777.2); short protein forms G187D, G312D.
Identifiers: ClinVar variation 2089554 (VCV002089554.3), dbSNP rs765001728, ClinGen allele CA363644144.

ClinVar aggregate classification (germline): Uncertain significance (1 of 4 stars; one submission).

Submission:

Labcorp Genetics (formerly Invitae), Labcorp
Classification: Uncertain significance. Last evaluated: 2022-09-27. Review status: criteria provided, single submitter. Criteria: Invitae Variant Classification Sherloc (09022015). Collection method: clinical testing. Allele origin: germline.
Comment: In summary, the available evidence is currently insufficient to determine the role of this variant in disease. Therefore, it has been classified as a Variant of Uncertain Significance. Algorithms developed to predict the effect of missense changes on protein structure and function (SIFT, PolyPhen-2, Align-GVGD) all suggest that this variant is likely to be tolerated. This variant has not been reported in the literature in individuals affected with SLC39A7-related conditions. This variant is not present in population databases (gnomAD no frequency). This sequence change replaces glycine, which is neutral and non-polar, with aspartic acid, which is acidic and polar, at codon 312 of the SLC39A7 protein (p.Gly312Asp).